The following is an entry in ClinVar:

NM_001042492.3(NF1):c.1754_1782del (p.Lys584_Leu585insTer)

Gene: NF1 (neurofibromin 1; plus strand). Cytogenetic location: 17q11.2.
Variant type: Deletion.
Coding change: c.1754_1782del on transcript NM_001042492.3 (MANE Select); coding-DNA positions 1754 to 1782, 29 bases deleted (TAACTAGTCATCAAATGCTTAGTAGCACA).
Protein change: p.Lys584_Leu585insTer.
Molecular consequence: nonsense. On other transcripts: frameshift variant (1).
Genome position (GRCh38, 1-based): chr17:31,223,476-31,223,504, TAACTAGTCATCAAATGCTTAGTAGCACA deleted. VCF-style (leftmost placement, unchanged base first): chr17-31223475-TTAACTAGTCATCAAATGCTTAGTAGCACA-T. GRCh37 (hg19) VCF-style: chr17-29550493-TTAACTAGTCATCAAATGCTTAGTAGCACA-T.
Other names: c.1754_1782del29, p.Leu585Terfs (NM_000267.4).
Identifiers: ClinVar variation 3724505 (VCV003724505.2).
Genomic context (GRCh38, chr17:31,223,475, plus strand): 5'-TAGTAACAATGAACTTTATGTTACTGCAGCTCACAAATGCTTTTTTACATCTGCAAGAAA[TTAACTAGTCATCAAATGCTTAGTAGCACA>T]GAAATTCTCAAGTGGTTGCGGGAAATATTGATCTGCAGGAATAAATTTCTTCTTAAAAAT-3'

ClinVar aggregate classification (germline): Pathogenic (1 of 4 stars; one submission).

Conditions:
Neurofibromatosis, type 1 (NF1). Also called: VON RECKLINGHAUSEN DISEASE; NEUROFIBROMATOSIS, TYPE I, SOMATIC; Peripheral type neurofibromatosis; Neurofibromatosis, type I. Identifiers: Orphanet 636, MedGen C0027831, MONDO:0018975, OMIM 162200. Disease mechanism: loss of function.

Submission:

Labcorp Genetics (formerly Invitae), Labcorp
Classification: Pathogenic for Neurofibromatosis, type 1. Last evaluated: 2024-11-03. Review status: criteria provided, single submitter. Criteria: Invitae Variant Classification Sherloc (09022015). Collection method: clinical testing. Allele origin: germline.
Comment: This sequence change creates a premature translational stop signal (p.Leu585*) in the NF1 gene. It is expected to result in an absent or disrupted protein product. Loss-of-function variants in NF1 are known to be pathogenic (PMID: 10712197, 23913538). This variant is not present in population databases (gnomAD no frequency). This variant has not been reported in the literature in individuals affected with NF1-related conditions. For these reasons, this variant has been classified as Pathogenic.

Literature cited by the submitters: PubMed 10712197; PubMed 23913538.